The following is an entry in ClinVar:

ClinVar aggregate classification (germline): Likely pathogenic (1 of 4 stars; one submission).

Conditions:
Congenital myasthenic syndrome 2A. Also called: Myasthenic syndrome, congenital, 2a, slow-channel. Identifiers: Orphanet 590, MedGen C4225374, MONDO:0014581, OMIM 616313.

Allele frequency attached by ClinVar (database versions not stated): gnomAD exomes below 0.00001.

Submission:

Centre for Mendelian Genomics, University Medical Centre Ljubljana
Classification: Likely pathogenic for Congenital myasthenic syndrome 2A. Last evaluated: 2016-01-01. Review status: criteria provided, single submitter. Criteria: ACMG Guidelines, 2015. Collection method: clinical testing. Allele origin: unknown. Affected: yes.
Comment: This variant was classified as: Likely pathogenic. The following ACMG criteria were applied in classifying this variant: PVS1,PM2.

NM_000747.3(CHRNB1):c.687_688insT (p.Gly230fs)

Gene: CHRNB1 (cholinergic receptor nicotinic beta 1 subunit; plus strand). Cytogenetic location: 17p13.1.
Variant type: Insertion.
Coding change: c.687_688insT on transcript NM_000747.3 (MANE Select); coding-DNA positions 687 to 688, T inserted.
Protein change: p.Gly230fs; shifts the reading frame from glycine 230.
Molecular consequence: frameshift variant.
Genome position: GRCh38 VCF-style: chr17-7448655-A-AT. GRCh37 (hg19) VCF-style: chr17-7351974-A-AT.
Other names: short protein forms G230fs.
Identifiers: ClinVar variation 930319 (VCV000930319.3), dbSNP rs1908762801, ClinGen allele CA1139665097.